The following is an entry in ClinVar:

NM_004525.3(LRP2):c.2860A>G (p.Ile954Val)

Gene: LRP2 (LDL receptor related protein 2; minus strand). Cytogenetic location: 2q31.1.
Variant type: single nucleotide variant.
Coding change: c.2860A>G on transcript NM_004525.3 (MANE Select); coding-DNA position 2860, A replaced by G.
Protein change: p.Ile954Val; replaces isoleucine 954 with valine.
Molecular consequence: missense variant.
Genome position (GRCh38, 1-based): chr2:169,247,426, T>C on the plus strand (A>G on the coding strand, the complement: LRP2 is on the minus strand). VCF-style: chr2-169247426-T-C. GRCh37 (hg19) VCF-style: chr2-170103936-T-C.
Other names: short protein forms I954V.
Identifiers: ClinVar variation 1388435 (VCV001388435.5), dbSNP rs749711372, ClinGen allele CA1955196.

ClinVar aggregate classification (germline): Uncertain significance (1 of 4 stars; one submission).

Allele frequency attached by ClinVar (database versions not stated): gnomAD 0.00001; gnomAD exomes 0.00001 and 0.00002; ExAC 0.00002.
gnomAD v4.1: 13 of 1,614,050 alleles (0.00081%); highest among the groups gnomAD compares: East Asian, 0.02%; no homozygotes.

Submission:

Labcorp Genetics (formerly Invitae), Labcorp
Classification: Uncertain significance. Last evaluated: 2022-07-06. Review status: criteria provided, single submitter. Criteria: Invitae Variant Classification Sherloc (09022015). Collection method: clinical testing. Allele origin: germline.
Comment: This sequence change replaces isoleucine, which is neutral and non-polar, with valine, which is neutral and non-polar, at codon 954 of the LRP2 protein (p.Ile954Val). This variant is present in population databases (rs749711372, gnomAD 0.04%). This variant has not been reported in the literature in individuals affected with LRP2-related conditions. ClinVar contains an entry for this variant (Variation ID: 1388435). Advanced modeling of protein sequence and biophysical properties (such as structural, functional, and spatial information, amino acid conservation, physicochemical variation, residue mobility, and thermodynamic stability) performed at Invitae indicates that this missense variant is not expected to disrupt LRP2 protein function. In summary, the available evidence is currently insufficient to determine the role of this variant in disease. Therefore, it has been classified as a Variant of Uncertain Significance.